The following is an entry in ClinVar:

NM_000321.3(RB1):c.2470A>G (p.Lys824Glu)

Gene: RB1 (RB transcriptional corepressor 1; plus strand). Cytogenetic location: 13q14.2.
Variant type: single nucleotide variant.
Coding change: c.2470A>G on transcript NM_000321.3 (MANE Select); coding-DNA position 2470, A replaced by G.
Protein change: p.Lys824Glu; replaces lysine 824 with glutamic acid.
Molecular consequence: missense variant.
Genome position (GRCh38, 1-based): chr13:48,465,349, A>G. VCF-style: chr13-48465349-A-G. GRCh37 (hg19) VCF-style: chr13-49039485-A-G.
Other names: c.2470A>G, p.Lys824Glu (NM_001407165.1); short protein forms K824E.
Identifiers: ClinVar variation 1791776 (VCV001791776.2), dbSNP rs2138346181, ClinGen allele CA388168048.

ClinVar aggregate classification (germline): Uncertain significance (1 of 4 stars; one submission).

Conditions:
Hereditary cancer-predisposing syndrome. Also called: Hereditary Cancer Syndrome; Hereditary neoplastic syndrome; Tumor predisposition; Neoplastic Syndromes, Hereditary. Identifiers: Orphanet 140162, MedGen C0027672, MeSH D009386, MONDO:0015356.

gnomAD v4.1: 1 of 1,605,882 alleles (0.000062%); no homozygotes.

Submission:

Ambry Genetics
Classification: Uncertain significance for Hereditary cancer-predisposing syndrome. Last evaluated: 2022-10-25. Review status: criteria provided, single submitter. Criteria: Ambry Variant Classification Scheme 2023. Collection method: clinical testing. Allele origin: germline.
Comment: The p.K824E variant (also known as c.2470A>G), located in coding exon 23 of the RB1 gene, results from an A to G substitution at nucleotide position 2470. The lysine at codon 824 is replaced by glutamic acid, an amino acid with similar properties. This amino acid position is highly conserved in available vertebrate species. In addition, the in silico prediction for this alteration is inconclusive. Since supporting evidence is limited at this time, the clinical significance of this alteration remains unclear.